The following is an entry in ClinVar:

NM_001374828.1(ARID1B):c.6428_6435del (p.Val2142_Leu2143insTer)

Gene: ARID1B (AT-rich interaction domain 1B; plus strand). Cytogenetic location: 6q25.3.
Variant type: Deletion.
Coding change: c.6428_6435del on transcript NM_001374828.1 (MANE Select); coding-DNA positions 6428 to 6435, 8 bases deleted (TGAGGGAT; older notation c.6428_6435delTGAGGGAT).
Protein change: p.Val2142_Leu2143insTer.
Molecular consequence: nonsense.
Genome position (GRCh38, 1-based): chr6:157,207,200-157,207,207, TGAGGGAT deleted; deleting any 8 consecutive bases within chr6:157,207,199-157,207,207 gives the same sequence; the c. name uses the placement nearest the transcript's 3' end. VCF-style (leftmost placement, unchanged base first): chr6-157207198-CTTGAGGGA-C. GRCh37 (hg19) VCF-style: chr6-157528332-CTTGAGGGA-C.
Other names: c.6059_6066del8 (NM_020732.3); c.3929_3936del, p.Val1309_Leu1310insTer (NM_001363725.2); c.6308_6315del, p.Val2102_Leu2103insTer (NM_001371656.1, NM_001374820.1); c.6557_6564del, p.Val2185_Leu2186insTer (NM_001438482.1); c.6470_6477del, p.Val2156_Leu2157insTer (NM_001438483.1); c.6338_6345del, p.Val2112_Leu2113insTer (NM_001438485.1); c.6311_6318del, p.Val2103_Leu2104insTer (NM_001438486.1); c.6248_6255del, p.Val2082_Leu2083insTer (NM_001438487.1); and 2 more.
Identifiers: ClinVar variation 4992654 (VCV004992654.1).

ClinVar aggregate classification (germline): Likely pathogenic (1 of 4 stars; one submission).

Conditions:
ARID1B-Related Disorder. Identifiers: MedGen CN381337.

Submission:

PreventionGenetics, part of Exact Sciences
Classification: Likely pathogenic for ARID1B-related condition. Last evaluated: 2025-10-06. Review status: criteria provided, single submitter. Criteria: ACMG Guidelines, 2015. Collection method: clinical testing. Allele origin: germline.
Comment: The ARID1B c.6059_6066del8 variant is predicted to result in premature protein termination (p.Leu2020*). To our knowledge, this variant has not been reported in the literature or in a large population database (gnomAD), indicating this variant is rare. Other truncating variants located 5' and 3' of this variant have been reported to be causative to Coffin-Siris syndrome (Santen et al. 2013. PubMed ID: 23929686; HGMD database). Truncating variants in ARID1B are expected to be pathogenic. This variant is interpreted as likely pathogenic.